The following is an entry in ClinVar:

NM_003183.6(ADAM17):c.2242G>T (p.Ala748Ser)

Genes: ADAM17 (ADAM metallopeptidase domain 17; minus strand), IAH1 (isoamyl acetate hydrolyzing esterase 1 (putative); plus strand). Cytogenetic location: 2p25.1.
Variant type: single nucleotide variant.
Coding change: c.2242G>T on transcript NM_003183.6 (MANE Select); coding-DNA position 2242, G replaced by T.
Protein change: p.Ala748Ser; replaces alanine 748 with serine.
Molecular consequence: missense variant.
Genome position (GRCh38, 1-based): chr2:9,490,410, C>A on the plus strand (G>T on the coding strand, the complement: ADAM17 is on the minus strand). VCF-style: chr2-9490410-C-A. GRCh37 (hg19) VCF-style: chr2-9630539-C-A.
Other names: short protein forms A748S.
Identifiers: ClinVar variation 848657 (VCV000848657.8), dbSNP rs761025971, ClinGen allele CA345794649.

ClinVar aggregate classification (germline): Uncertain significance (1 of 4 stars; one submission).

Conditions:
Inflammatory skin and bowel disease, neonatal, 1. Identifiers: Orphanet 294023, MedGen C3280501, MONDO:0013693, OMIM 614328.

gnomAD v4.1: 9 of 1,614,104 alleles (0.00056%); highest among the groups gnomAD compares: Non-Finnish European, 0.00076%; no homozygotes.

Submission:

Labcorp Genetics (formerly Invitae), Labcorp
Classification: Uncertain significance for Inflammatory skin and bowel disease, neonatal, 1. Last evaluated: 2019-03-22. Review status: criteria provided, single submitter. Criteria: Invitae Variant Classification Sherloc (09022015). Collection method: clinical testing. Allele origin: germline.
Comment: This sequence change replaces alanine with serine at codon 748 of the ADAM17 protein (p.Ala748Ser). The alanine residue is weakly conserved and there is a moderate physicochemical difference between alanine and serine. This variant is not present in population databases (ExAC no frequency). This variant has not been reported in the literature in individuals with ADAM17-related conditions. Algorithms developed to predict the effect of missense changes on protein structure and function (SIFT, PolyPhen-2, Align-GVGD) all suggest that this variant is likely to be tolerated, but these predictions have not been confirmed by published functional studies and their clinical significance is uncertain. In summary, the available evidence is currently insufficient to determine the role of this variant in disease. Therefore, it has been classified as a Variant of Uncertain Significance.